The following is an entry in ClinVar:

ClinVar aggregate classification (germline): Pathogenic (1 of 4 stars; one submission).

Conditions:
Hypercholesterolemia, autosomal dominant, type B (FHCL2). Also called: Familial Hypercholesterolemia Type B; APOLIPOPROTEIN B-100, FAMILIAL DEFECTIVE; APOLIPOPROTEIN B-100, FAMILIAL LIGAND-DEFECTIVE; HYPERCHOLESTEROLEMIA, FAMILIAL, DUE TO LIGAND-DEFECTIVE APOLIPOPROTEIN B; Familial hypercholesterolemia 2; APOB-Related Familial Hypercholesterolemia, Autosomal Dominant. Identifiers: MedGen C1704417, MONDO:0007751, OMIM 144010.
Familial hypobetalipoproteinemia 1. Also called: APOB-Related Familial Hypobetalipoproteinemia; Hypobetalipoproteinemia, normotriglyceridemic; Acanthocytosis with hypobetalipoproteinemia. Identifiers: MedGen C4551990, MONDO:0014252, OMIM 615558.

Submission:

Labcorp Genetics (formerly Invitae), Labcorp
Classification: Pathogenic for Familial hypobetalipoproteinemia 1; Hypercholesterolemia, autosomal dominant, type B. Last evaluated: 2022-03-08. Review status: criteria provided, single submitter. Criteria: Invitae Variant Classification Sherloc (09022015). Collection method: clinical testing. Allele origin: unknown.
Comment: This variant has not been reported in the literature in individuals affected with APOB-related conditions. For these reasons, this variant has been classified as Pathogenic. A gross deletion of the genomic region encompassing the full coding sequence of the APOB gene has been identified. Loss-of-function variants in APOB are known to be pathogenic (PMID: 20032471). The boundaries of this event are unknown as they extend beyond the assayed region for this gene and therefore may encompass additional genes.

Literature cited by the submitters: PubMed 20032471.

NC_000002.11:g.(?_21224602)_(21266817_?)del

Gene: APOB (apolipoprotein B; minus strand). Cytogenetic location: 2p24.1.
Variant type: Deletion.
Identifiers: ClinVar variation 3247423 (VCV003247423.1).